The following is an entry in ClinVar:

ClinVar aggregate classification (germline): Benign. Review status: criteria provided, multiple submitters, no conflicts (2 of 4 stars). 2 submissions from 2 submitters: Benign (2). Last evaluated 2018-06-19.

Allele frequency attached by ClinVar (database versions not stated): gnomAD exomes 0.02115; ExAC 0.03617; TOPMed 0.08075; 1000 Genomes Project 0.08159; 1000 Genomes Project 30x 0.08325.
gnomAD v4.1: 11,624 of 472,831 alleles (2.5%); highest among the groups gnomAD compares: African/African-American, 25%; 998 homozygotes.

Submissions (2):

GeneDx
Classification: Benign. Last evaluated: 2018-06-19. Review status: criteria provided, single submitter. Criteria: GeneDx Variant Classification (06012015). Collection method: clinical testing. Allele origin: germline. Affected: yes.
Comment: This variant is considered likely benign or benign based on one or more of the following criteria: it is a conservative change, it occurs at a poorly conserved position in the protein, it is predicted to be benign by multiple in silico algorithms, and/or has population frequency not consistent with disease.

Breakthrough Genomics
Classification: Benign. Review status: criteria provided, single submitter. Criteria: ACMG Guidelines, 2015. Collection method: not provided. Allele origin: germline. Inheritance: X-linked inheritance. Affected: yes.

NM_001029896.2(WDR45):c.235+197T>G

Genes: WDR45 (WD repeat domain 45; minus strand), LOC126863256 (BRD4-independent group 4 enhancer GRCh37_chrX:48934848-48936047; plus strand). Cytogenetic location: Xp11.23.
Variant type: single nucleotide variant.
Coding change: c.235+197T>G on transcript NM_001029896.2 (MANE Select); 197 bases into the intron after coding-DNA position 235, T replaced by G.
Molecular consequence: intron variant.
Genome position (GRCh38, 1-based): chrX:49,077,446, A>C on the plus strand (T>G on the coding strand, the complement: WDR45 is on the minus strand). VCF-style: chrX-49077446-A-C. GRCh37 (hg19) VCF-style: chrX-48935105-A-C.
Other names: c.235+197T>G (NM_007075.4).
Identifiers: ClinVar variation 674459 (VCV000674459.2), dbSNP rs55719739, ClinGen allele CA10408589.